The following is an entry in ClinVar:

NM_147686.4(TRAF3IP2):c.1345C>A (p.Arg449Ser)

Genes: TRAF3IP2 (TRAF3 interacting protein 2; minus strand), TRAF3IP2-AS1 (TRAF3IP2 antisense RNA 1; plus strand). Cytogenetic location: 6q21.
Variant type: single nucleotide variant.
Coding change: c.1345C>A on transcript NM_147686.4 (MANE Select); coding-DNA position 1345, C replaced by A.
Protein change: p.Arg449Ser; replaces arginine 449 with serine.
Molecular consequence: missense variant.
Genome position (GRCh38, 1-based): chr6:111,567,638, G>T on the plus strand (C>A on the coding strand, the complement: TRAF3IP2 is on the minus strand). VCF-style: chr6-111567638-G-T. GRCh37 (hg19) VCF-style: chr6-111888841-G-T.
Other names: c.1345C>A (NM_147686.2); c.1345C>A, p.Arg449Ser (NM_001164281.3); c.1372C>A, p.Arg458Ser (NM_147200.3); short protein forms R449S, R458S.
Identifiers: ClinVar variation 2146139 (VCV002146139.5), dbSNP rs200246882, ClinGen allele CA145272309.
Genomic context (GRCh38, chr6:111,567,638, plus strand): 5'-GTCTTTCTCACCAGAAAACAAACTCTGGTTTTTGGAATGTACTTACATCCCTAAGGTAGC[G>T]CTCCATCCATTTAATGATATCAATGCCTCGGATTCTATCCTCAAATATGTCAATCTGCAA-3'
Protein context (NP_679211.2, residues 439-459): RGIDIIKWME[Arg449Ser]YLRDKTVMII

ClinVar aggregate classification (germline): Uncertain significance. Review status: criteria provided, multiple submitters, no conflicts (2 of 4 stars). 2 submissions from 2 submitters: Uncertain significance (2). Last evaluated 2026-06-17.

Conditions:
Candidiasis, familial, 8 (CANDF8). Identifiers: Orphanet 1334, MedGen C3714992, MONDO:0014230, OMIM 615527.

Allele frequency attached by ClinVar (database versions not stated): TOPMed below 0.00001.

Submissions (2):

Ambry Genetics
Classification: Uncertain significance. Last evaluated: 2026-06-17. Review status: criteria provided, single submitter. Criteria: Ambry Variant Classification Scheme 2023. Collection method: clinical testing. Allele origin: germline.

Labcorp Genetics (formerly Invitae), Labcorp
Classification: Uncertain significance for Candidiasis, familial, 8. Last evaluated: 2023-08-18. Review status: criteria provided, single submitter. Criteria: Invitae Variant Classification Sherloc (09022015). Collection method: clinical testing. Allele origin: germline.
Comment: This sequence change replaces arginine, which is basic and polar, with serine, which is neutral and polar, at codon 449 of the TRAF3IP2 protein (p.Arg449Ser). This variant is not present in population databases (gnomAD no frequency). This variant has not been reported in the literature in individuals affected with TRAF3IP2-related conditions. ClinVar contains an entry for this variant (Variation ID: 2146139). Advanced modeling of protein sequence and biophysical properties (such as structural, functional, and spatial information, amino acid conservation, physicochemical variation, residue mobility, and thermodynamic stability) performed at Invitae indicates that this missense variant is not expected to disrupt TRAF3IP2 protein function. In summary, the available evidence is currently insufficient to determine the role of this variant in disease. Therefore, it has been classified as a Variant of Uncertain Significance.